The following is an entry in ClinVar:

ClinVar aggregate classification (germline): Uncertain significance (1 of 4 stars; one submission).

Conditions:
Developmental and epileptic encephalopathy, 21 (DEE21). Also called: Early infantile epileptic encephalopathy 21. Identifiers: Orphanet 442835, MedGen C4014430, MONDO:0014360, OMIM 615833.

Allele frequency attached by ClinVar (database versions not stated): gnomAD exomes below 0.00001; TOPMed 0.00001.
gnomAD v4.1: 2 of 1,614,172 alleles (0.00012%); highest among the groups gnomAD compares: African/African-American, 0.0013%; no homozygotes.

Submission:

Labcorp Genetics (formerly Invitae), Labcorp
Classification: Uncertain significance for Developmental and epileptic encephalopathy, 21. Last evaluated: 2021-02-14. Review status: criteria provided, single submitter. Criteria: Invitae Variant Classification Sherloc (09022015). Collection method: clinical testing. Allele origin: germline.
Comment: This sequence change replaces serine with cysteine at codon 261 of the NECAP1 protein (p.Ser261Cys). The serine residue is moderately conserved and there is a moderate physicochemical difference between serine and cysteine. This variant is not present in population databases (ExAC no frequency). In summary, the available evidence is currently insufficient to determine the role of this variant in disease. Therefore, it has been classified as a Variant of Uncertain Significance. Algorithms developed to predict the effect of missense changes on protein structure and function are either unavailable or do not agree on the potential impact of this missense change (SIFT: "Not Available"; PolyPhen-2: "Possibly Damaging"; Align-GVGD: "Not Available"). This variant has not been reported in the literature in individuals with NECAP1-related conditions.

NM_015509.4(NECAP1):c.782C>G (p.Ser261Cys)

Gene: NECAP1 (NECAP endocytosis associated 1; plus strand). Cytogenetic location: 12p13.31.
Variant type: single nucleotide variant.
Coding change: c.782C>G on transcript NM_015509.4 (MANE Select); coding-DNA position 782, C replaced by G.
Protein change: p.Ser261Cys; replaces serine 261 with cysteine.
Molecular consequence: missense variant. On other transcripts: non-coding transcript variant (1).
Genome position (GRCh38, 1-based): chr12:8,096,044, C>G. VCF-style: chr12-8096044-C-G. GRCh37 (hg19) VCF-style: chr12-8248640-C-G.
Other names: short protein forms S261C.
Identifiers: ClinVar variation 1507476 (VCV001507476.6), dbSNP rs1264229871, ClinGen allele CA383802911.